The following is an entry in ClinVar:

NM_001291867.2(NHS):c.3661T>C (p.Ser1221Pro)

Gene: NHS (NHS actin remodeling regulator; plus strand). Cytogenetic location: Xp22.13.
Variant type: single nucleotide variant.
Coding change: c.3661T>C on transcript NM_001291867.2 (MANE Select); coding-DNA position 3661, T replaced by C.
Protein change: p.Ser1221Pro; replaces serine 1221 with proline.
Molecular consequence: missense variant.
Genome position (GRCh38, 1-based): chrX:17,727,767, T>C. VCF-style: chrX-17727767-T-C. GRCh37 (hg19) VCF-style: chrX-17745887-T-C.
Other names: c.3130T>C, p.Ser1044Pro (NM_001136024.4); c.3067T>C, p.Ser1023Pro (NM_001291868.2); c.3322T>C, p.Ser1108Pro (NM_001440780.1); c.3598T>C, p.Ser1200Pro (NM_198270.4); short protein forms S1044P, S1023P, S1108P, S1221P, S1200P.
Identifiers: ClinVar variation 4980611 (VCV004980611.1).

ClinVar aggregate classification (germline): Uncertain significance (1 of 4 stars; one submission).

Conditions:
NHS-related disorder. Also called: NHS-related condition.

gnomAD v4.1: 3 of 1,211,522 alleles (0.00025%); highest among the groups gnomAD compares: Non-Finnish European, 0.00034%; no homozygotes.

Submission:

PreventionGenetics, part of Exact Sciences
Classification: Uncertain significance for NHS-related condition. Last evaluated: 2025-11-03. Review status: criteria provided, single submitter. Criteria: ACMG Guidelines, 2015. Collection method: clinical testing. Allele origin: germline.
Comment: The NHS c.3598T>C variant is predicted to result in the amino acid substitution p.Ser1200Pro. To our knowledge, this variant has not been reported in the literature or in a large population database (gnomAD), indicating this variant is rare. At this time, the clinical significance of this variant is uncertain due to the absence of conclusive functional and genetic evidence.